The following is an entry in ClinVar:

NM_000293.3(PHKB):c.369_370del (p.Gly124fs)

Gene: PHKB (phosphorylase kinase regulatory subunit beta; plus strand). Cytogenetic location: 16q12.1.
Variant type: Microsatellite.
Coding change: c.369_370del on transcript NM_000293.3 (MANE Select); coding-DNA positions 369 to 370, 2 bases deleted (AG; older notation c.369_370delAG).
Protein change: p.Gly124fs; shifts the reading frame from glycine 124.
Molecular consequence: frameshift variant.
Genome position (GRCh38, 1-based): chr16:47,503,054-47,503,055, AG deleted; deleting any 2 consecutive bases within chr16:47,503,051-47,503,055 gives the same sequence; the c. name uses the placement nearest the transcript's 3' end. VCF-style (leftmost placement, unchanged base first): chr16-47503050-TGA-T. GRCh37 (hg19) VCF-style: chr16-47536961-TGA-T.
Other names: c.348_349del, p.Gly117fs (NM_001031835.3); c.369_370del, p.Gly124fs (NM_001363837.1); short protein forms G117fs, G124fs.
Identifiers: ClinVar variation 2692944 (VCV002692944.3), dbSNP rs2548337300, ClinGen allele CA2633043345.
Genomic context (GRCh38, chr16:47,503,050, plus strand): 5'-GGCGAATTGATGATGACAAGGGAAGGACCCATGAGCTGGAGCACTCAGCTATAAAATGCA[TGA>T]GAGGAATTCTCTACTGCTATATGCGTCAGGCCGATAAGGTAAAACATTGTGGTGTGGACG-3'

ClinVar aggregate classification (germline): Pathogenic (1 of 4 stars; one submission).

Conditions:
Glycogen storage disease IXb (GSD9B). Also called: GLYCOGENOSIS OF LIVER AND MUSCLE, AUTOSOMAL RECESSIVE; GSD IXb; PHOSPHORYLASE KINASE DEFICIENCY OF LIVER AND MUSCLE, AUTOSOMAL RECESSIVE. Identifiers: Orphanet 79240, MedGen C0543514, MONDO:0009868, OMIM 261750.

Submission:

Labcorp Genetics (formerly Invitae), Labcorp
Classification: Pathogenic for Glycogen storage disease IXb. Last evaluated: 2023-11-03. Review status: criteria provided, single submitter. Criteria: Invitae Variant Classification Sherloc (09022015). Collection method: clinical testing. Allele origin: germline.
Comment: This sequence change creates a premature translational stop signal (p.Gly124Asnfs*11) in the PHKB gene. It is expected to result in an absent or disrupted protein product. Loss-of-function variants in PHKB are known to be pathogenic (PMID: 9215682, 9326319). This variant is not present in population databases (gnomAD no frequency). This variant has not been reported in the literature in individuals affected with PHKB-related conditions. For these reasons, this variant has been classified as Pathogenic.

Literature cited by the submitters: PubMed 9215682; PubMed 9326319.